The following is an entry in ClinVar:

ClinVar aggregate classification (germline): Uncertain significance (1 of 4 stars; one submission).

Allele frequency attached by ClinVar (database versions not stated): gnomAD exomes 0.00001; ExAC 0.00003; gnomAD 0.00003; TOPMed 0.00004.
gnomAD v4.1: 24 of 1,613,702 alleles (0.0015%); highest among the groups gnomAD compares: East Asian, 0.0022%; no homozygotes.

Submission:

Labcorp Genetics (formerly Invitae), Labcorp
Classification: Uncertain significance. Last evaluated: 2026-01-27. Review status: criteria provided, single submitter. Criteria: Invitae Variant Classification Sherloc (09022015). Collection method: clinical testing. Allele origin: germline.
Comment: The COL18A1 gene has multiple clinically relevant transcripts. This variant occurs in alternate transcript NM_030582.4, and corresponds to NM_130445.2:c.107-12528A>G in the primary transcript. This sequence change replaces threonine, which is neutral and polar, with alanine, which is neutral and non-polar, at codon 62 of the COL18A1 protein (p.Thr62Ala). This variant is present in population databases (rs765377882, gnomAD 0.005%). This variant has not been reported in the literature in individuals affected with COL18A1-related conditions. ClinVar contains an entry for this variant (Variation ID: 1953972). Experimental studies and prediction algorithms are not available or were not evaluated, and the functional significance of this variant is currently unknown. Algorithms developed to predict the effect of sequence changes on RNA splicing suggest that this variant is not likely to affect RNA splicing. In summary, the available evidence is currently insufficient to determine the role of this variant in disease. Therefore, it has been classified as a Variant of Uncertain Significance.

NM_001379500.1(COL18A1):c.107-12528A>G

Gene: COL18A1 (collagen type XVIII alpha 1 chain; plus strand). Cytogenetic location: 21q22.3.
Variant type: single nucleotide variant.
Coding change: c.107-12528A>G on transcript NM_001379500.1 (MANE Select); 12528 bases into the intron before coding-DNA position 107, A replaced by G.
Molecular consequence: intron variant. On other transcripts: missense variant (2).
Genome position (GRCh38, 1-based): chr21:45,455,714, A>G. VCF-style: chr21-45455714-A-G. GRCh37 (hg19) VCF-style: chr21-46875628-A-G.
Other names: c.184A>G, p.Thr62Ala (NM_030582.4, NM_130444.3); short protein forms T62A.
Identifiers: ClinVar variation 1953972 (VCV001953972.5), dbSNP rs765377882, ClinGen allele CA10065404.